The following is an entry in ClinVar:

NM_006618.5(KDM5B):c.200C>A (p.Pro67Gln)

Genes: KDM5B (lysine demethylase 5B; minus strand), LOC129932249 (ATAC-STARR-seq lymphoblastoid silent region 1705; plus strand). Cytogenetic location: 1q32.1.
Variant type: single nucleotide variant.
Coding change: c.200C>A on transcript NM_006618.5 (MANE Select); coding-DNA position 200, C replaced by A.
Protein change: p.Pro67Gln; replaces proline 67 with glutamine.
Molecular consequence: missense variant. On other transcripts: intron variant (1).
Genome position (GRCh38, 1-based): chr1:202,808,106, G>T on the plus strand (C>A on the coding strand, the complement: KDM5B is on the minus strand). VCF-style: chr1-202808106-G-T. GRCh37 (hg19) VCF-style: chr1-202777234-G-T.
Other names: c.200C>A, p.Pro67Gln (NM_001314042.2, NM_001347591.2); c.189+11C>A (NM_001399817.1); short protein forms P67Q.
Identifiers: ClinVar variation 3764551 (VCV003764551.1).

ClinVar aggregate classification (germline): Uncertain significance (1 of 4 stars; one submission).

Conditions:
Intellectual developmental disorder, autosomal recessive 65. Also called: MENTAL RETARDATION, AUTOSOMAL RECESSIVE 65; Intellectual disability, autosomal recessive 65. Identifiers: MedGen C4748219, MONDO:0020850, OMIM 618109.

Submission:

Daryl Scott Lab, Baylor College of Medicine
Classification: Uncertain significance for Intellectual developmental disorder, autosomal recessive 65. Last evaluated: 2024-01-01. Review status: criteria provided, single submitter. Criteria: ACMG Guidelines, 2015. Collection method: clinical testing. Allele origin: de novo. Observed: 1 heterozygote.
Comment: PS2, PM2, PP3